The following is an entry in ClinVar:

NM_014844.5(TECPR2):c.1397AGA[4] (p.Lys470_Lys471del)

Gene: TECPR2 (tectonin beta-propeller repeat containing 2; plus strand). Cytogenetic location: 14q32.31.
Variant type: Microsatellite.
Coding change: c.1397AGA[4] on transcript NM_014844.5 (MANE Select); four copies in a row of the 3-base unit AGA starting at c.1397; the reference has six copies in a row; two copies, 6 bases deleted; also written c.1409_1414del.
Protein change: p.Lys470_Lys471del.
Molecular consequence: inframe deletion.
Genome position (GRCh38, 1-based): chr14:102,432,120-102,432,125, AGAAGA deleted; deleting any 6 consecutive bases within chr14:102,432,106-102,432,125 gives the same sequence; the position shown is the placement nearest the transcript's 3' end. VCF-style (leftmost placement, unchanged base first): chr14-102432105-GGAAGAA-G. GRCh37 (hg19) VCF-style: chr14-102898442-GGAAGAA-G.
Other names: c.1397AGA[4], p.Lys470_Lys471del (NM_001172631.3); c.1409_1414del (NM_014844.5).
Identifiers: ClinVar variation 552924 (VCV000552924.13), dbSNP rs572609303, ClinGen allele CA7357709.

ClinVar aggregate classification (germline): Uncertain significance. Review status: criteria provided, single submitter (1 of 4 stars). 3 submissions from 3 submitters: Uncertain significance (1). 2 of the submissions do not count toward it. Last evaluated 2025-05-05.

Conditions:
Hereditary spastic paraplegia 49 (HSAN9). Also called: NEUROPATHY, HEREDITARY SENSORY AND AUTONOMIC, TYPE IX, WITH DEVELOPMENTAL DELAY; Spastic paraplegia 49, autosomal recessive; TECPR2-Related Hereditary Sensory and Autonomic Neuropathy with Intellectual Disability. Identifiers: Orphanet 320385, MedGen C5190860, MONDO:0014016, OMIM 615031.

Submissions (3):

Labcorp Genetics (formerly Invitae), Labcorp
Classification: Uncertain significance for Hereditary spastic paraplegia 49. Last evaluated: 2025-05-05. Review status: criteria provided, single submitter. Criteria: Invitae Variant Classification Sherloc (09022015). Collection method: clinical testing. Allele origin: germline.
Comment: This variant, c.1409_1414del, results in the deletion of 2 amino acid(s) of the TECPR2 protein (p.Lys470_Lys471del), but otherwise preserves the integrity of the reading frame. This variant is present in population databases (rs755284712, gnomAD 0.004%). This variant has not been reported in the literature in individuals affected with TECPR2-related conditions. Experimental studies and prediction algorithms are not available or were not evaluated, and the functional significance of this variant is currently unknown. In summary, the available evidence is currently insufficient to determine the role of this variant in disease. Therefore, it has been classified as a Variant of Uncertain Significance.

Natera, Inc.
Classification: Uncertain significance for Autosomal recessive spastic paraplegia type 49. Last evaluated: 2020-09-26. Review status: no assertion criteria provided. Collection method: clinical testing. Allele origin: germline. Not counted in ClinVar's aggregate classification.

Counsyl
Classification: Uncertain significance for Hereditary spastic paraplegia 49. Last evaluated: 2017-07-18. Review status: no assertion criteria provided. Collection method: clinical testing. Allele origin: unknown. Not counted in ClinVar's aggregate classification.